The following is an entry in ClinVar:

ClinVar aggregate classification (germline): Uncertain significance. Review status: criteria provided, multiple submitters, no conflicts (2 of 4 stars). 2 submissions from 2 submitters: Uncertain significance (2). Last evaluated 2024-02-05.

Conditions:
Hereditary cancer-predisposing syndrome. Also called: Hereditary neoplastic syndrome; Neoplastic Syndromes, Hereditary; Hereditary Cancer Syndrome; Tumor predisposition. Identifiers: Orphanet 140162, MedGen C0027672, MeSH D009386, MONDO:0015356.
Neuroblastoma, susceptibility to, 3. Also called: ALK-Related Neuroblastic Tumor Susceptibility. Identifiers: Orphanet 635, MedGen C2751681, MONDO:0013083, OMIM 613014.

gnomAD v4.1: 1 of 1,613,088 alleles (0.000062%); highest among the groups gnomAD compares: Non-Finnish European, 0.000085%; no homozygotes.

Submissions (2):

Ambry Genetics
Classification: Uncertain significance for Hereditary cancer-predisposing syndrome. Last evaluated: 2024-02-05. Review status: criteria provided, single submitter. Criteria: Ambry Variant Classification Scheme 2023. Collection method: clinical testing. Allele origin: germline.
Comment: The p.V56A variant (also known as c.167T>C), located in coding exon 1 of the ALK gene, results from a T to C substitution at nucleotide position 167. The valine at codon 56 is replaced by alanine, an amino acid with similar properties. This amino acid position is conserved. In addition, the in silico prediction for this alteration is inconclusive. Based on the available evidence, the clinical significance of this alteration remains unclear.

Labcorp Genetics (formerly Invitae), Labcorp
Classification: Uncertain significance for Neuroblastoma, susceptibility to, 3. Last evaluated: 2021-11-18. Review status: criteria provided, single submitter. Criteria: Invitae Variant Classification Sherloc (09022015). Collection method: clinical testing. Allele origin: germline.
Comment: In summary, the available evidence is currently insufficient to determine the role of this variant in disease. Therefore, it has been classified as a Variant of Uncertain Significance. Algorithms developed to predict the effect of missense changes on protein structure and function are either unavailable or do not agree on the potential impact of this missense change (SIFT: "Deleterious"; PolyPhen-2: "Benign"; Align-GVGD: "Class C0"). This variant has not been reported in the literature in individuals affected with ALK-related conditions. This variant is not present in population databases (gnomAD no frequency). This sequence change replaces valine, which is neutral and non-polar, with alanine, which is neutral and non-polar, at codon 56 of the ALK protein (p.Val56Ala).

NM_004304.5(ALK):c.167T>C (p.Val56Ala)

Gene: ALK (ALK receptor tyrosine kinase; minus strand). Cytogenetic location: 2p23.1.
Variant type: single nucleotide variant.
Coding change: c.167T>C on transcript NM_004304.5 (MANE Select); coding-DNA position 167, T replaced by C.
Protein change: p.Val56Ala; replaces valine 56 with alanine.
Molecular consequence: missense variant.
Genome position (GRCh38, 1-based): chr2:29,920,493, A>G on the plus strand (T>C on the coding strand, the complement: ALK is on the minus strand). VCF-style: chr2-29920493-A-G. GRCh37 (hg19) VCF-style: chr2-30143359-A-G.
Other names: c.167T>C (NM_004304.4); short protein forms V56A.
Identifiers: ClinVar variation 1393989 (VCV001393989.7), dbSNP rs2148443759, ClinGen allele CA346590564.